The following is an entry in ClinVar:

ClinVar aggregate classification (germline): Uncertain significance (1 of 4 stars; one submission).

Submission:

Women's Health and Genetics/Laboratory Corporation of America, LabCorp
Classification: Uncertain significance. Last evaluated: 2026-06-18. Review status: criteria provided, single submitter. Criteria: LabCorp Variant Classification Summary - May 2015. Collection method: clinical testing. Allele origin: germline.
Comment: Variant summary: DSPP c.2754_2755delinsTG (p.Asn919Asp) results in a conservative amino acid change in the encoded protein sequence. Algorithms developed to predict the effect of missense changes on protein structure and function are either unavailable or do not agree on the potential impact of this missense change. This variant consists of two neighboring single nucleotide variants (SNVs) which were found with about the same allele frequency, i.e. ~2.6e-06 in 1534100 control chromosomes (gnomAD). The available data on variant occurrences in the general population are insufficient to allow any conclusion about variant significance. To our knowledge, no occurrence of c.2754_2755delinsTG in individuals affected with DSPP-related conditions and no experimental evidence demonstrating its impact on protein function have been reported. No submitters have cited clinical-significance assessments for this variant to ClinVar. Based on the evidence outlined above, the variant was classified as uncertain significance.

NM_014208.3(DSPP):c.2754_2755inv (p.Asn919Asp)

Genes: DMP1-AS1 (DMP1 and DSPP antisense RNA 1; minus strand), DSPP (dentin sialophosphoprotein; plus strand). Cytogenetic location: 4q22.1.
Variant type: Inversion.
Coding change: c.2754_2755inv on transcript NM_014208.3 (MANE Select).
Protein change: p.Asn919Asp; replaces asparagine 919 with aspartic acid.
Molecular consequence: missense variant.
Genome position: GRCh38 VCF-style: chr4-87615416-CA-TG. GRCh37 (hg19) VCF-style: chr4-88536568-CA-TG.
Other names: c.2754_2755delinsTG (NM_014208.3); short protein forms N919D.
Identifiers: ClinVar variation 4887123 (VCV004887123.1).